The following is an entry in ClinVar:

ClinVar aggregate classification (germline): Uncertain significance. Review status: criteria provided, multiple submitters, no conflicts (2 of 4 stars). 3 submissions from 3 submitters: Uncertain significance (3). Last evaluated 2025-06-09.

Conditions:
Inborn genetic diseases. Identifiers: MedGen C0950123, MeSH D030342.
Cortical dysplasia-focal epilepsy syndrome (PTHSL1). Also called: Pitt-Hopkins-like syndrome 1. Identifiers: Orphanet 163681, Orphanet 221150, MedGen C2750246, MONDO:0012400, OMIM 610042.

gnomAD v4.1: 2 of 1,614,044 alleles (0.00012%); highest among the groups gnomAD compares: Middle Eastern, 0.017%; no homozygotes.

Submissions (3):

Labcorp Genetics (formerly Invitae), Labcorp
Classification: Uncertain significance for Cortical dysplasia-focal epilepsy syndrome. Last evaluated: 2025-06-09. Review status: criteria provided, single submitter. Criteria: Invitae Variant Classification Sherloc (09022015). Collection method: clinical testing. Allele origin: germline.
Comment: This sequence change replaces serine, which is neutral and polar, with cysteine, which is neutral and slightly polar, at codon 619 of the CNTNAP2 protein (p.Ser619Cys). This variant is not present in population databases (gnomAD no frequency). This variant has not been reported in the literature in individuals affected with CNTNAP2-related conditions. ClinVar contains an entry for this variant (Variation ID: 1182454). An algorithm developed to predict the effect of missense changes on protein structure and function (PolyPhen-2) suggests that this variant is likely to be disruptive. In summary, the available evidence is currently insufficient to determine the role of this variant in disease. Therefore, it has been classified as a Variant of Uncertain Significance.

Ambry Genetics
Classification: Uncertain significance for Inborn genetic diseases. Last evaluated: 2025-04-27. Review status: criteria provided, single submitter. Criteria: Ambry Variant Classification Scheme 2023. Collection method: clinical testing. Allele origin: germline.

GeneDx
Classification: Uncertain significance. Last evaluated: 2019-08-14. Review status: criteria provided, single submitter. Criteria: GeneDx Variant Classification Process June 2021. Collection method: clinical testing. Allele origin: germline. Affected: yes.
Comment: Not observed in large population cohorts (Lek et al., 2016); In silico analysis, which includes protein predictors and evolutionary conservation, supports a deleterious effect; Has not been previously published as pathogenic or benign to our knowledge

NM_014141.6(CNTNAP2):c.1855A>T (p.Ser619Cys)

Gene: CNTNAP2 (contactin associated protein 2; plus strand). Cytogenetic location: 7q35.
Variant type: single nucleotide variant.
Coding change: c.1855A>T on transcript NM_014141.6 (MANE Select); coding-DNA position 1855, A replaced by T.
Protein change: p.Ser619Cys; replaces serine 619 with cysteine.
Molecular consequence: missense variant.
Genome position (GRCh38, 1-based): chr7:147,562,215, A>T. VCF-style: chr7-147562215-A-T. GRCh37 (hg19) VCF-style: chr7-147259307-A-T.
Other names: short protein forms S619C.
Identifiers: ClinVar variation 1182454 (VCV001182454.6), dbSNP rs2116789426, ClinGen allele CA369926679.
Genomic context (GRCh38, chr7:147,562,215, plus strand): 5'-TGTGAAGCCTACAAACACCTAGGACAGACATCAAATTATTACTGGATAGATCCTGATGGC[A>T]GCGGACCTCTGGGGCCTCTGAAAGTTTACTGCAACATGACAGGTAACTGTGTCATATTTA-3'
Protein context (NP_054860.1, residues 609-629): SNYYWIDPDG[Ser619Cys]GPLGPLKVYC